The following is an entry in ClinVar:

ClinVar aggregate classification (germline): Uncertain significance (1 of 4 stars; one submission).

Submission:

Labcorp Genetics (formerly Invitae), Labcorp
Classification: Uncertain significance. Last evaluated: 2025-10-01. Review status: criteria provided, single submitter. Criteria: Invitae Variant Classification Sherloc (09022015). Collection method: clinical testing. Allele origin: germline.
Comment: This sequence change replaces glutamine, which is neutral and polar, with histidine, which is basic and polar, at codon 347 of the SRP54 protein (p.Gln347His). This variant is not present in population databases (gnomAD no frequency). This variant has not been reported in the literature in individuals affected with SRP54-related conditions. Invitae Evidence Modeling of protein sequence and biophysical properties (such as structural, functional, and spatial information, amino acid conservation, physicochemical variation, residue mobility, and thermodynamic stability) has been performed for this missense variant. However, the output from this modeling did not meet the statistical confidence thresholds required to predict the impact of this variant on SRP54 protein function. In summary, the available evidence is currently insufficient to determine the role of this variant in disease. Therefore, it has been classified as a Variant of Uncertain Significance.

NM_003136.4(SRP54):c.1041G>T (p.Gln347His)

Gene: SRP54 (signal recognition particle 54; plus strand). Cytogenetic location: 14q13.2.
Variant type: single nucleotide variant.
Coding change: c.1041G>T on transcript NM_003136.4 (MANE Select); coding-DNA position 1041, G replaced by T.
Protein change: p.Gln347His; replaces glutamine 347 with histidine.
Molecular consequence: missense variant.
Genome position (GRCh38, 1-based): chr14:35,018,759, G>T. VCF-style: chr14-35018759-G-T. GRCh37 (hg19) VCF-style: chr14-35487965-G-T.
Other names: c.894G>T, p.Gln298His (NM_001146282.2); c.1041G>T, p.Gln347His (NM_001411017.1, NM_001440813.1); short protein forms Q298H, Q347H.
Identifiers: ClinVar variation 4804832 (VCV004804832.1).